The following is an entry in ClinVar:

ClinVar aggregate classification (germline): Uncertain significance. Review status: criteria provided, multiple submitters, no conflicts (2 of 4 stars). 6 submissions from 6 submitters: Uncertain significance (5). 1 of the submissions does not count toward it. Last evaluated 2026-08-06.

Conditions:
Hereditary cancer-predisposing syndrome. Also called: Tumor predisposition; Hereditary neoplastic syndrome; Neoplastic Syndromes, Hereditary; Hereditary Cancer Syndrome. Identifiers: Orphanet 140162, MedGen C0027672, MeSH D009386, MONDO:0015356.
Bloom syndrome (BLM). Also called: Bloom-Torre-Machacek syndrome. Identifiers: Orphanet 125, MedGen C0005859, MONDO:0008876, OMIM 210900.

Allele frequency attached by ClinVar (database versions not stated): gnomAD exomes below 0.00001 and 0.00001; ExAC 0.00001; gnomAD 0.00001; TOPMed 0.00001; 1000 Genomes Project 30x 0.00016; 1000 Genomes Project 0.00020.
gnomAD v4.1: 7 of 1,593,572 alleles (0.00044%); highest among the groups gnomAD compares: Admixed American, 0.0036%; no homozygotes.

Submissions (6):

OLLIN Analises Genomicas, OLLIN
Classification: Uncertain significance. Last evaluated: 2026-08-06. Review status: criteria provided, single submitter. Criteria: ACMG Guidelines 2015 PMID 25741868. Collection method: clinical testing. Allele origin: germline.
Comment: This missense variant, located in exon 3 (of 22), has been reported in ClinVar (accession VCV000454157.22) and in gnomAD with an allele frequency of 0.00044%. However, to our knowledge, it has not been reported in the scientific literature. In silico analysis is inconclusive regarding the impact of this variant. According to the currently available evidence, this variant has been classified as uncertain significance (PM2_P).

Labcorp Genetics (formerly Invitae), Labcorp
Classification: Uncertain significance for Bloom syndrome. Last evaluated: 2024-04-30. Review status: criteria provided, single submitter. Criteria: Invitae Variant Classification Sherloc (09022015). Collection method: clinical testing. Allele origin: germline.
Comment: This sequence change replaces arginine, which is basic and polar, with isoleucine, which is neutral and non-polar, at codon 191 of the BLM protein (p.Arg191Ile). This variant is present in population databases (rs569086568, gnomAD 0.007%). This missense change has been observed in individual(s) with breast cancer (PMID: 35264596). ClinVar contains an entry for this variant (Variation ID: 454157). An algorithm developed to predict the effect of missense changes on protein structure and function (PolyPhen-2) suggests that this variant is likely to be disruptive. In summary, the available evidence is currently insufficient to determine the role of this variant in disease. Therefore, it has been classified as a Variant of Uncertain Significance.

Ambry Genetics
Classification: Uncertain significance for Hereditary cancer-predisposing syndrome. Last evaluated: 2022-12-02. Review status: criteria provided, single submitter. Criteria: Ambry Variant Classification Scheme 2023. Collection method: clinical testing. Allele origin: germline.
Comment: The p.R191I variant (also known as c.572G>T), located in coding exon 2 of the BLM gene, results from a G to T substitution at nucleotide position 572. The arginine at codon 191 is replaced by isoleucine, an amino acid with similar properties. This amino acid position is well conserved in available vertebrate species. In addition, this alteration is predicted to be tolerated by in silico analysis. Since supporting evidence is limited at this time, the clinical significance of this alteration remains unclear.

Revvity Omics, Revvity
Classification: Uncertain significance for Bloom syndrome. Last evaluated: 2019-07-17. Review status: criteria provided, single submitter. Criteria: ACMG Guidelines, 2015. Collection method: clinical testing. Allele origin: germline.

Mendelics
Classification: Uncertain significance for Bloom syndrome. Last evaluated: 2018-07-02. Review status: criteria provided, single submitter. Criteria: Mendelics Assertion Criteria 2017. Collection method: clinical testing. Allele origin: unknown.

Natera, Inc.
Classification: Uncertain significance for Bloom syndrome. Last evaluated: 2018-11-10. Review status: no assertion criteria provided. Collection method: clinical testing. Allele origin: germline. Not counted in ClinVar's aggregate classification.

Literature cited by the submitters: PubMed 35264596 (cited by Labcorp Genetics (formerly Invitae), Labcorp).

NM_000057.4(BLM):c.572G>T (p.Arg191Ile)

Gene: BLM (BLM RecQ like helicase; plus strand). Cytogenetic location: 15q26.1.
Variant type: single nucleotide variant.
Coding change: c.572G>T on transcript NM_000057.4 (MANE Select); coding-DNA position 572, G replaced by T.
Protein change: p.Arg191Ile; replaces arginine 191 with isoleucine.
Molecular consequence: missense variant. On other transcripts: 5 prime UTR variant (1).
Genome position (GRCh38, 1-based): chr15:90,749,840, G>T. VCF-style: chr15-90749840-G-T. GRCh37 (hg19) VCF-style: chr15-91293070-G-T.
Other names: c.572G>T, p.Arg191Ile (NM_001287246.2, NM_001287247.2); c.-720G>T (NM_001287248.2); short protein forms R191I.
Identifiers: ClinVar variation 454157 (VCV000454157.23), dbSNP rs569086568, ClinGen allele CA7738313.
Genomic context (GRCh38, chr15:90,749,840, plus strand): 5'-CACCACCCCAAAGTCACTTTGTAAGAGTAAGCACTGCTCAGAAATCAAAAAAGGGTAAGA[G>T]AAACTTTTTTAAAGCACAGCTTTATACAACAAACACAGTAAAGACTGATTTGCCTCCACC-3'
Protein context (NP_000048.1, residues 181-201): STAQKSKKGK[Arg191Ile]NFFKAQLYTT